The following is an entry in ClinVar:

ClinVar aggregate classification (germline): Uncertain significance (1 of 4 stars; one submission).

Submission:

GeneDx
Classification: Uncertain significance. Last evaluated: 2022-12-21. Review status: criteria provided, single submitter. Criteria: GeneDx Variant Classification Process June 2021. Collection method: clinical testing. Allele origin: germline. Affected: yes.
Comment: Not observed at significant frequency in large population cohorts (gnomAD); In silico analysis supports that this missense variant has a deleterious effect on protein structure/function; Has not been previously published as pathogenic or benign to our knowledge

NM_052989.3(IFT122):c.2123A>G (p.Glu708Gly)

Genes: IFT122 (intraflagellar transport 122; plus strand), LOC126806810 (CDK7 strongly-dependent group 2 enhancer GRCh37_chr3:129213542-129214741; plus strand). Cytogenetic location: 3q21.3.
Variant type: single nucleotide variant.
Coding change: c.2123A>G on transcript NM_052989.3 (MANE Select); coding-DNA position 2123, A replaced by G.
Protein change: p.Glu708Gly; replaces glutamic acid 708 with glycine.
Molecular consequence: missense variant.
Genome position (GRCh38, 1-based): chr3:129,495,522, A>G. VCF-style: chr3-129495522-A-G. GRCh37 (hg19) VCF-style: chr3-129214365-A-G.
Other names: c.2099A>G, p.Glu700Gly (NM_001280541.2); c.1673A>G, p.Glu558Gly (NM_001280545.2); c.1496A>G, p.Glu499Gly (NM_001280546.2); c.2123A>G, p.Glu708Gly (NM_001410808.1); c.2069A>G, p.Glu690Gly (NM_001410809.1); c.1946A>G, p.Glu649Gly (NM_001410810.1, NM_018262.4); c.1892A>G, p.Glu631Gly (NM_001410811.1, NM_001410813.1); c.1790A>G, p.Glu597Gly (NM_001410815.1, NM_052990.3); and 2 more; short protein forms E499G, E558G, E579G, E597G, E631G, E649G, E690G, E700G.
Identifiers: ClinVar variation 2506715 (VCV002506715.1), dbSNP rs2532234243, ClinGen allele CA354480543.